The following is an entry in ClinVar:

NM_000535.7(PMS2):c.1420G>A (p.Ala474Thr)

Gene: PMS2 (PMS1 homolog 2, mismatch repair system component; minus strand). Cytogenetic location: 7p22.1.
Variant type: single nucleotide variant.
Coding change: c.1420G>A on transcript NM_000535.7 (MANE Select); coding-DNA position 1420, G replaced by A.
Protein change: p.Ala474Thr; replaces alanine 474 with threonine.
Molecular consequence: missense variant. On other transcripts: non-coding transcript variant (1).
Genome position (GRCh38, 1-based): chr7:5,987,345, C>T on the plus strand (G>A on the coding strand, the complement: PMS2 is on the minus strand). VCF-style: chr7-5987345-C-T. GRCh37 (hg19) VCF-style: chr7-6026976-C-T.
Other names: c.1015G>A, p.Ala339Thr (NM_001322003.2, NM_001322004.2, NM_001322005.2 and 1 more transcripts); c.1264G>A, p.Ala422Thr (NM_001322006.2); c.1102G>A, p.Ala368Thr (NM_001322007.2, NM_001322008.2); c.859G>A, p.Ala287Thr (NM_001322010.2); c.487G>A, p.Ala163Thr (NM_001322011.2, NM_001322012.2); c.847G>A, p.Ala283Thr (NM_001322013.2); c.1420G>A, p.Ala474Thr (NM_001322014.2); c.1111G>A, p.Ala371Thr (NM_001322015.2); short protein forms A339T, A371T, A422T, A283T, A287T, A474T, A163T, A368T.
Identifiers: ClinVar variation 856983 (VCV000856983.13), dbSNP rs373114291, ClinGen allele CA366742046.

ClinVar aggregate classification (germline): Conflicting classifications of pathogenicity. Review status: criteria provided, conflicting classifications (1 of 4 stars). 2 submissions from 2 submitters: Uncertain significance (1); Likely benign (1). Last evaluated 2026-08-13.

Conditions:
Hereditary nonpolyposis colorectal neoplasms. Identifiers: MedGen C0009405, MeSH D003123.
Hereditary cancer-predisposing syndrome. Also called: Tumor predisposition; Hereditary neoplastic syndrome; Neoplastic Syndromes, Hereditary; Hereditary Cancer Syndrome. Identifiers: Orphanet 140162, MedGen C0027672, MeSH D009386, MONDO:0015356.

Submissions (2):

Ambry Genetics
Classification: Likely benign for Hereditary cancer-predisposing syndrome. Last evaluated: 2026-08-13. Review status: criteria provided, single submitter. Criteria: Ambry Variant Classification Scheme 2023. Collection method: clinical testing. Allele origin: germline.

Labcorp Genetics (formerly Invitae), Labcorp
Classification: Uncertain significance for Hereditary nonpolyposis colorectal neoplasms. Last evaluated: 2019-12-15. Review status: criteria provided, single submitter. Criteria: Invitae Variant Classification Sherloc (09022015). Collection method: clinical testing. Allele origin: germline.
Comment: In summary, the available evidence is currently insufficient to determine the role of this variant in disease. Therefore, it has been classified as a Variant of Uncertain Significance. Algorithms developed to predict the effect of missense changes on protein structure and function (SIFT, PolyPhen-2, Align-GVGD) all suggest that this variant is likely to be tolerated, but these predictions have not been confirmed by published functional studies and their clinical significance is uncertain. This variant has not been reported in the literature in individuals with PMS2-related conditions. This variant is not present in population databases (ExAC no frequency). This sequence change replaces alanine with threonine at codon 474 of the PMS2 protein (p.Ala474Thr). The alanine residue is weakly conserved and there is a small physicochemical difference between alanine and threonine.